The following is an entry in ClinVar:

ClinVar aggregate classification (germline): Uncertain significance (1 of 4 stars; one submission).

Submission:

Labcorp Genetics (formerly Invitae), Labcorp
Classification: Uncertain significance. Last evaluated: 2024-04-25. Review status: criteria provided, single submitter. Criteria: Invitae Variant Classification Sherloc (09022015). Collection method: clinical testing. Allele origin: germline.
Comment: This sequence change replaces proline, which is neutral and non-polar, with serine, which is neutral and polar, at codon 810 of the TONSL protein (p.Pro810Ser). This variant is not present in population databases (gnomAD no frequency). This variant has not been reported in the literature in individuals affected with TONSL-related conditions. Advanced modeling of protein sequence and biophysical properties (such as structural, functional, and spatial information, amino acid conservation, physicochemical variation, residue mobility, and thermodynamic stability) performed at Invitae indicates that this missense variant is not expected to disrupt TONSL protein function with a negative predictive value of 80%. In summary, the available evidence is currently insufficient to determine the role of this variant in disease. Therefore, it has been classified as a Variant of Uncertain Significance.

NM_013432.5(TONSL):c.2428C>T (p.Pro810Ser)

Genes: TONSL (tonsoku like, DNA repair protein; minus strand), TONSL-AS1 (TONSL antisense RNA 1; plus strand). Cytogenetic location: 8q24.3.
Variant type: single nucleotide variant.
Coding change: c.2428C>T on transcript NM_013432.5 (MANE Select); coding-DNA position 2428, C replaced by T.
Protein change: p.Pro810Ser; replaces proline 810 with serine.
Molecular consequence: missense variant.
Genome position (GRCh38, 1-based): chr8:144,436,005, G>A on the plus strand (C>T on the coding strand, the complement: TONSL is on the minus strand). VCF-style: chr8-144436005-G-A. GRCh37 (hg19) VCF-style: chr8-145661388-G-A.
Other names: short protein forms P810S.
Identifiers: ClinVar variation 3651069 (VCV003651069.2).